The following is an entry in ClinVar:

NC_000016.9:g.(?_84066913)_(84075762_?)del

Gene: SLC38A8 (solute carrier family 38 member 8; minus strand). Cytogenetic location: 16q23.3.
Variant type: Deletion.
Identifiers: ClinVar variation 3243594 (VCV003243594.1).

ClinVar aggregate classification (germline): Pathogenic (1 of 4 stars; one submission).

Submission:

Labcorp Genetics (formerly Invitae), Labcorp
Classification: Pathogenic. Last evaluated: 2023-02-13. Review status: criteria provided, single submitter. Criteria: Invitae Variant Classification Sherloc (09022015). Collection method: clinical testing. Allele origin: unknown.
Comment: This variant is a gross deletion of the genomic region encompassing exon(s) 1-3 of the SLC38A8 gene, which includes the initiator codon. This deletion extends beyond the assayed region for this gene and therefore may encompass additional genes. It is expected to result in an absent or disrupted protein product. Loss-of-function variants in SLC38A8 are known to be pathogenic (PMID: 24290379). This variant has not been reported in the literature in individuals affected with SLC38A8-related conditions. For these reasons, this variant has been classified as Pathogenic.

Literature cited by the submitters: PubMed 24290379.